The following is an entry in ClinVar:

ClinVar aggregate classification (germline): Likely pathogenic. Review status: criteria provided, multiple submitters, no conflicts (2 of 4 stars). 2 submissions from 2 submitters: Likely pathogenic (2). Last evaluated 2025-08-21.

Allele frequency attached by ClinVar (database versions not stated): gnomAD exomes 0.00001; gnomAD 0.00001; TOPMed 0.00002.
gnomAD v4.1: 14 of 1,611,090 alleles (0.00087%); highest among the groups gnomAD compares: Admixed American, 0.0017%; no homozygotes.

Submissions (2):

Labcorp Genetics (formerly Invitae), Labcorp
Classification: Likely pathogenic. Last evaluated: 2025-08-21. Review status: criteria provided, single submitter. Criteria: Invitae Variant Classification Sherloc (09022015). Collection method: clinical testing. Allele origin: germline.
Comment: This sequence change affects an acceptor splice site in intron 3 of the TREM2 gene. It is expected to disrupt RNA splicing. Variants that disrupt the donor or acceptor splice site typically lead to a loss of protein function (PMID: 16199547), and loss-of-function variants in TREM2 are known to be pathogenic (PMID: 12080485, 12754369, 12883936, 12925681, 23318515, 23582655). This variant is present in population databases (rs768621570, gnomAD 0.01%). Disruption of this splice site has been observed in individual(s) with frontotemporal dementia (PMID: 29525180). ClinVar contains an entry for this variant (Variation ID: 1473898). Algorithms developed to predict the effect of sequence changes on RNA splicing suggest that this variant may disrupt the consensus splice site. In summary, the currently available evidence indicates that the variant is pathogenic, but additional data are needed to prove that conclusively. Therefore, this variant has been classified as Likely Pathogenic.

Dasa
Classification: Likely pathogenic. Last evaluated: 2024-09-27. Review status: criteria provided, single submitter. Criteria: DASA Assertion Criteria. Collection method: clinical testing. Allele origin: germline.
Comment: NM_018965.4(TREM2):c.483-2A>C affects a canonical splice site and is predicted to disrupt normal RNA splicing. Loss of function is an established disease mechanism for TREM2-associated disorders. This variant has been reported in individuals with TREM2-related disorders. Published studies describe this variant in association with related phenotype (PMID: 29525180). Also, this variant is rare in population databases. Based on the currently available evidence, this variant is classified as likely pathogenic.

Literature cited by the submitters: PubMed 16199547 (cited by Labcorp Genetics (formerly Invitae), Labcorp); PubMed 12080485 (cited by Labcorp Genetics (formerly Invitae), Labcorp); PubMed 12754369 (cited by Labcorp Genetics (formerly Invitae), Labcorp); PubMed 12883936 (cited by Labcorp Genetics (formerly Invitae), Labcorp); PubMed 12925681 (cited by Labcorp Genetics (formerly Invitae), Labcorp); PubMed 23318515 (cited by Labcorp Genetics (formerly Invitae), Labcorp); PubMed 23582655 (cited by Labcorp Genetics (formerly Invitae), Labcorp); PubMed 29525180 (cited by Labcorp Genetics (formerly Invitae), Labcorp and Dasa).

NM_018965.4(TREM2):c.483-2A>C

Gene: TREM2 (triggering receptor expressed on myeloid cells 2; minus strand). Cytogenetic location: 6p21.1.
Variant type: single nucleotide variant.
Coding change: c.483-2A>C on transcript NM_018965.4 (MANE Select); the canonical splice acceptor site of the intron before coding-DNA position 483, A replaced by C.
Molecular consequence: splice acceptor variant. On other transcripts: intron variant (1).
Genome position (GRCh38, 1-based): chr6:41,159,068, T>G on the plus strand (A>C on the coding strand, the complement: TREM2 is on the minus strand). VCF-style: chr6-41159068-T-G. GRCh37 (hg19) VCF-style: chr6-41126806-T-G.
Other names: c.483-288A>C (NM_001271821.2).
Identifiers: ClinVar variation 1473898 (VCV001473898.8), dbSNP rs768621570, ClinGen allele CA3798851.